The following is an entry in ClinVar:

NM_004168.4(SDHA):c.276G>C (p.Lys92Asn)

Gene: SDHA (succinate dehydrogenase complex flavoprotein subunit A; plus strand). Cytogenetic location: 5p15.33.
Variant type: single nucleotide variant.
Coding change: c.276G>C on transcript NM_004168.4 (MANE Select); coding-DNA position 276, G replaced by C.
Protein change: p.Lys92Asn; replaces lysine 92 with asparagine.
Molecular consequence: missense variant.
Genome position (GRCh38, 1-based): chr5:224,485, G>C. VCF-style: chr5-224485-G-C. GRCh37 (hg19) VCF-style: chr5-224600-G-C.
Other names: c.276G>C, p.Lys92Asn (NM_001294332.2, NM_001330758.2); short protein forms K92N.
Identifiers: ClinVar variation 859527 (VCV000859527.11), dbSNP rs375298039, ClinGen allele CA3172760.

ClinVar aggregate classification (germline): Uncertain significance. Review status: criteria provided, multiple submitters, no conflicts (2 of 4 stars). 2 submissions from 2 submitters: Uncertain significance (2). Last evaluated 2025-08-11.

Conditions:
Hereditary cancer-predisposing syndrome. Also called: Neoplastic Syndromes, Hereditary; Hereditary neoplastic syndrome; Tumor predisposition; Hereditary Cancer Syndrome. Identifiers: Orphanet 140162, MedGen C0027672, MeSH D009386, MONDO:0015356.
Mitochondrial complex II deficiency, nuclear type 1. Also called: SUCCINATE CoQ REDUCTASE DEFICIENCY. Identifiers: Orphanet 3208, MedGen C5700310, MONDO:0100294, OMIM 252011.
Pheochromocytoma/paraganglioma syndrome 5. Also called: Paragangliomas 5; SDHA-Related Hereditary Paraganglioma-Pheochromocytoma Syndrome. Identifiers: Orphanet 29072, MedGen C3279992, MONDO:0013602, OMIM 614165.

Allele frequency attached by ClinVar (database versions not stated): gnomAD exomes below 0.00001; TOPMed below 0.00001; ExAC 0.00001; ESP Exome Variant Server 0.00008.

Submissions (2):

Labcorp Genetics (formerly Invitae), Labcorp
Classification: Uncertain significance for Pheochromocytoma/paraganglioma syndrome 5; Mitochondrial complex II deficiency, nuclear type 1. Last evaluated: 2025-08-11. Review status: criteria provided, single submitter. Criteria: Invitae Variant Classification Sherloc (09022015). Collection method: clinical testing. Allele origin: germline.
Comment: This sequence change replaces lysine, which is basic and polar, with asparagine, which is neutral and polar, at codon 92 of the SDHA protein (p.Lys92Asn). This variant is present in population databases (rs375298039, gnomAD 0.002%). This variant has not been reported in the literature in individuals affected with SDHA-related conditions. ClinVar contains an entry for this variant (Variation ID: 859527). Invitae Evidence Modeling of protein sequence and biophysical properties (such as structural, functional, and spatial information, amino acid conservation, physicochemical variation, residue mobility, and thermodynamic stability) has been performed for this missense variant. However, the output from this modeling did not meet the statistical confidence thresholds required to predict the impact of this variant on SDHA protein function. In summary, the available evidence is currently insufficient to determine the role of this variant in disease. Therefore, it has been classified as a Variant of Uncertain Significance.

Ambry Genetics
Classification: Uncertain significance for Hereditary cancer-predisposing syndrome. Last evaluated: 2024-07-07. Review status: criteria provided, single submitter. Criteria: Ambry Variant Classification Scheme 2023. Collection method: clinical testing. Allele origin: germline.
Comment: The p.K92N variant (also known as c.276G>C), located in coding exon 3 of the SDHA gene, results from a G to C substitution at nucleotide position 276. The lysine at codon 92 is replaced by asparagine, an amino acid with similar properties. This amino acid position is highly conserved in available vertebrate species. In addition, the in silico prediction for this alteration is inconclusive. Since supporting evidence is limited at this time, the clinical significance of this alteration remains unclear.